The following is an entry in ClinVar:

ClinVar aggregate classification (germline): Conflicting classifications of pathogenicity. Review status: criteria provided, conflicting classifications (1 of 4 stars). 2 submissions from 2 submitters: Uncertain significance (1); Benign (1). Last evaluated 2025-02-16.

Conditions:
Polyglandular autoimmune syndrome, type 1 (APS1). Also called: HYPOADRENOCORTICISM WITH HYPOPARATHYROIDISM AND SUPERFICIAL MONILIASIS; Autoimmune polyendocrine syndrome type 1; Autoimmune polyendocrinopathy syndrome, type I; AUTOIMMUNE POLYENDOCRINE SYNDROME, TYPE I, WITH OR WITHOUT REVERSIBLE METAPHYSEAL DYSPLASIA; APS I; PGA I. Identifiers: Orphanet 3453, MedGen C0085859, MONDO:0009411, OMIM 240300.

Allele frequency attached by ClinVar (database versions not stated): TOPMed 0.00004; gnomAD 0.00005; ExAC 0.00031.
gnomAD v4.1: 98 of 1,554,268 alleles (0.0063%); highest among the groups gnomAD compares: South Asian, 0.032%; 1 homozygote.

Submissions (2):

Laboratory of Genetics, Children's Clinical University Hospital Latvia
Classification: Benign. Last evaluated: 2025-02-16. Review status: criteria provided, single submitter. Criteria: ACMG Guidelines, 2015. Collection method: clinical testing. Allele origin: germline. Affected: yes.

Labcorp Genetics (formerly Invitae), Labcorp
Classification: Uncertain significance for Polyglandular autoimmune syndrome, type 1. Last evaluated: 2024-11-19. Review status: criteria provided, single submitter. Criteria: Invitae Variant Classification Sherloc (09022015). Collection method: clinical testing. Allele origin: germline.
Comment: This sequence change affects codon 179 of the AIRE mRNA. It is a 'silent' change, meaning that it does not change the encoded amino acid sequence of the AIRE protein. It affects a nucleotide within the consensus splice site. This variant is present in population databases (rs72650674, gnomAD 0.04%). This variant has not been reported in the literature in individuals affected with AIRE-related conditions. ClinVar contains an entry for this variant (Variation ID: 2053919). Algorithms developed to predict the effect of sequence changes on RNA splicing suggest that this variant is not likely to affect RNA splicing. In summary, the available evidence is currently insufficient to determine the role of this variant in disease. Therefore, it has been classified as a Variant of Uncertain Significance.

NM_000383.4(AIRE):c.537C>T (p.Asn179=)

Gene: AIRE (autoimmune regulator; plus strand). Cytogenetic location: 21q22.3.
Variant type: single nucleotide variant.
Coding change: c.537C>T on transcript NM_000383.4 (MANE Select); coding-DNA position 537, C replaced by T.
Protein change: p.Asn179=; no amino-acid change (asparagine 179 retained).
Molecular consequence: synonymous variant.
Genome position (GRCh38, 1-based): chr21:44,287,590, C>T. VCF-style: chr21-44287590-C-T. GRCh37 (hg19) VCF-style: chr21-45707473-C-T.
Identifiers: ClinVar variation 2053919 (VCV002053919.3), dbSNP rs72650674, ClinGen allele CA10051596.